The following is an entry in ClinVar:

ClinVar aggregate classification (germline): Benign. Review status: criteria provided, multiple submitters, no conflicts (2 of 4 stars). 2 submissions from 2 submitters: Benign (2). Last evaluated 2024-01-24.

Allele frequency attached by ClinVar (database versions not stated): gnomAD 0.38405 and 0.38677; TOPMed 0.36703; 1000 Genomes Project 30x 0.31012; 1000 Genomes Project 0.31949; gnomAD exomes 0.50464.

Submissions (2):

Unidad de Genómica Garrahan, Hospital de Pediatría Garrahan
Classification: Benign. Last evaluated: 2024-01-24. Review status: criteria provided, single submitter. Criteria: ACMG Guidelines, 2015. Collection method: clinical testing. Allele origin: germline. Affected: no. Observed: 56 variant alleles.
Comment: This variant is classified as Benign based on local population frequency. This variant was detected in 59% of patients studied by a panel of primary immunodeficiencies. Number of patients: 56. Only high quality variants are reported.

Breakthrough Genomics
Classification: Benign. Review status: criteria provided, single submitter. Criteria: ACMG Guidelines, 2015. Collection method: not provided. Allele origin: germline. Inheritance: Autosomal recessive inheritance. Affected: yes.

NM_014339.6(IL17RA):c.-94C>A

Genes: IL17RA (interleukin 17 receptor A; plus strand), LOC130066893 (ATAC-STARR-seq lymphoblastoid silent region 13429; plus strand). Cytogenetic location: 22q11.1.
Variant type: single nucleotide variant.
Coding change: c.-94C>A on transcript NM_014339.6; 94 bases upstream of the start codon, C replaced by A.
Genome position (GRCh38, 1-based): chr22:17,084,998, C>A. VCF-style: chr22-17084998-C-A. GRCh37 (hg19) VCF-style: chr22-17565888-C-A.
Identifiers: ClinVar variation 340556 (VCV000340556.10), dbSNP rs13053694, ClinGen allele CA10653759.